The following is an entry in ClinVar:

ClinVar aggregate classification (germline): Uncertain significance (1 of 4 stars; one submission).

Allele frequency attached by ClinVar (database versions not stated): gnomAD exomes below 0.00001 and 0.00001; TOPMed below 0.00001.
gnomAD v4.1: 3 of 1,614,114 alleles (0.00019%); highest among the groups gnomAD compares: South Asian, 0.0011%; no homozygotes.

Submission:

Labcorp Genetics (formerly Invitae), Labcorp
Classification: Uncertain significance. Last evaluated: 2021-09-17. Review status: criteria provided, single submitter. Criteria: Invitae Variant Classification Sherloc (09022015). Collection method: clinical testing. Allele origin: germline.
Comment: This variant is not present in population databases (ExAC no frequency). This sequence change replaces isoleucine with valine at codon 326 of the AGBL5 protein (p.Ile326Val). The isoleucine residue is moderately conserved and there is a small physicochemical difference between isoleucine and valine. This variant has not been reported in the literature in individuals affected with AGBL5-related conditions. Algorithms developed to predict the effect of missense changes on protein structure and function output the following: SIFT: "Tolerated"; PolyPhen-2: "Benign"; Align-GVGD: "Class C0". The valine amino acid residue is found in multiple mammalian species, which suggests that this missense change does not adversely affect protein function. In summary, the available evidence is currently insufficient to determine the role of this variant in disease. Therefore, it has been classified as a Variant of Uncertain Significance.

NM_021831.6(AGBL5):c.976A>G (p.Ile326Val)

Gene: AGBL5 (AGBL carboxypeptidase 5; plus strand). Cytogenetic location: 2p23.3.
Variant type: single nucleotide variant.
Coding change: c.976A>G on transcript NM_021831.6 (MANE Select); coding-DNA position 976, A replaced by G.
Protein change: p.Ile326Val; replaces isoleucine 326 with valine.
Molecular consequence: missense variant. On other transcripts: non-coding transcript variant (2).
Genome position (GRCh38, 1-based): chr2:27,055,749, A>G. VCF-style: chr2-27055749-A-G. GRCh37 (hg19) VCF-style: chr2-27278617-A-G.
Other names: c.976A>G, p.Ile326Val (NM_001035507.3); short protein forms I326V.
Identifiers: ClinVar variation 1366866 (VCV001366866.5), dbSNP rs1489044209, ClinGen allele CA346178064.
Genomic context (GRCh38, chr2:27,055,749, plus strand): 5'-TCACGTGGAGTGAATCTGAACCGTCAGTACCTGAAGCCTGATGCCGTCCTGCACCCGGCC[A>G]TCTATGGGGCCAAAGCTGTGCTTCTCTACCACCATGTGCACTCTCGTCTGAACTCCCAGA-3'
Protein context (NP_068603.4, residues 316-336): LKPDAVLHPA[Ile326Val]YGAKAVLLYH